The following is an entry in ClinVar:

ClinVar aggregate classification (germline): Uncertain significance. Review status: criteria provided, single submitter (1 of 4 stars). 2 submissions from 2 submitters: Uncertain significance (1). 1 of the submissions does not count toward it. Last evaluated 2024-02-12.

Conditions:
Charcot-Marie-Tooth disease type 2E (CMT2E). Also called: CHARCOT-MARIE-TOOTH DISEASE, AXONAL, TYPE 2E; CHARCOT-MARIE-TOOTH NEUROPATHY, TYPE 2E. Identifiers: Orphanet 99939, MedGen C1843225, MONDO:0011894, OMIM 607684.
NEFL-related disorder. Also called: NEFL-related condition.

Allele frequency attached by ClinVar (database versions not stated): gnomAD 0.00001; gnomAD exomes 0.00002 and 0.00003.
gnomAD v4.1: 34 of 1,613,806 alleles (0.0021%); highest among the groups gnomAD compares: East Asian, 0.076%; no homozygotes.

Submissions (2):

Labcorp Genetics (formerly Invitae), Labcorp
Classification: Uncertain significance for Charcot-Marie-Tooth disease type 2E. Last evaluated: 2024-02-12. Review status: criteria provided, single submitter. Criteria: Invitae Variant Classification Sherloc (09022015). Collection method: clinical testing. Allele origin: germline.
Comment: This sequence change replaces tyrosine, which is neutral and polar, with asparagine, which is neutral and polar, at codon 443 of the NEFL protein (p.Tyr443Asn). This variant is present in population databases (rs774761874, gnomAD 0.05%). This missense change has been observed in individual(s) with autosomal dominant Charcot-Marie-Tooth disease (PMID: 35044100). In at least one individual the variant was observed to be de novo. ClinVar contains an entry for this variant (Variation ID: 1375115). Advanced modeling of protein sequence and biophysical properties (such as structural, functional, and spatial information, amino acid conservation, physicochemical variation, residue mobility, and thermodynamic stability) has been performed at Invitae for this missense variant, however the output from this modeling did not meet the statistical confidence thresholds required to predict the impact of this variant on NEFL protein function. In summary, the available evidence is currently insufficient to determine the role of this variant in disease. Therefore, it has been classified as a Variant of Uncertain Significance.

PreventionGenetics, part of Exact Sciences
Classification: Uncertain significance for NEFL-related condition. Last evaluated: 2024-04-22. Review status: no assertion criteria provided. Collection method: clinical testing. Allele origin: germline. Not counted in ClinVar's aggregate classification.
Comment: The NEFL c.1327T>A variant is predicted to result in the amino acid substitution p.Tyr443Asn. This variant in the heterozygous condition was reported as de novo in an individual with Charcot-Marie-Tooth disease (Kim et al 2022. PubMed ID: 35044100). This variant is reported in 0.039% of alleles in individuals of East Asian descent in gnomAD. At this time, the clinical significance of this variant is uncertain due to the absence of conclusive functional and genetic evidence.

Literature cited by the submitters: PubMed 35044100 (cited by Labcorp Genetics (formerly Invitae), Labcorp).

NM_006158.5(NEFL):c.1327T>A (p.Tyr443Asn)

Gene: NEFL (neurofilament light chain; minus strand). Cytogenetic location: 8p21.2.
Variant type: single nucleotide variant.
Coding change: c.1327T>A on transcript NM_006158.5 (MANE Select); coding-DNA position 1327, T replaced by A.
Protein change: p.Tyr443Asn; replaces tyrosine 443 with asparagine.
Molecular consequence: missense variant.
Genome position (GRCh38, 1-based): chr8:24,953,638, A>T on the plus strand (T>A on the coding strand, the complement: NEFL is on the minus strand). VCF-style: chr8-24953638-A-T. GRCh37 (hg19) VCF-style: chr8-24811152-A-T.
Other names: c.1327T>A (NM_006158.4); short protein forms Y443N.
Identifiers: ClinVar variation 1375115 (VCV001375115.7), dbSNP rs774761874, ClinGen allele CA4681292.